The following is an entry in ClinVar:

ClinVar aggregate classification (germline): Pathogenic (1 of 4 stars; one submission).

Conditions:
Melnick-Needles syndrome (MNS). Also called: MELNICK-NEEDLES OSTEODYSPLASTY; Melnick-Needles Syndrome (FLNA-MNS); OSTEODYSPLASTY OF MELNICK AND NEEDLES. Identifiers: Orphanet 2484, MedGen C0025237, MONDO:0010650, OMIM 309350.
Frontometaphyseal dysplasia (FMD1). Identifiers: Orphanet 1826, MedGen C0265293, MONDO:0015942.
Heterotopia, periventricular, X-linked dominant (PVNH1). Also called: PERIVENTRICULAR NODULAR HETEROTOPIA 1; X-linked periventricular heterotopia; PERIVENTRICULAR NODULAR HETEROTOPIA 4; HETEROTOPIA, PERIVENTRICULAR, 1. Identifiers: Orphanet 2149, Orphanet 82004, MedGen C1848213, MONDO:0010233, OMIM 300049.
Oto-palato-digital syndrome, type II (OPD2). Also called: FACIOPALATOOSSEOUS SYNDROME; Otopalatodigital Syndrome Type 2 (FLNA-OPD2); OPD II SYNDROME; Otopalatodigital Syndrome, Type II. Identifiers: Orphanet 669, Orphanet 90652, MedGen C1844696, MONDO:0010571, OMIM 304120.

Submission:

Labcorp Genetics (formerly Invitae), Labcorp
Classification: Pathogenic for Oto-palato-digital syndrome, type II; Heterotopia, periventricular, X-linked dominant; Frontometaphyseal dysplasia; Melnick-Needles syndrome. Last evaluated: 2020-11-23. Review status: criteria provided, single submitter. Criteria: Invitae Variant Classification Sherloc (09022015). Collection method: clinical testing. Allele origin: germline.
Comment: For these reasons, this variant has been classified as Pathogenic. This sequence change creates a premature translational stop signal (p.Val372Argfs*14) in the FLNA gene. It is expected to result in an absent or disrupted protein product. Loss-of-function variants in FLNA are known to be pathogenic (PMID: 16684786, 20730588, 26471271). This variant is not present in population databases (ExAC no frequency). This variant has not been reported in the literature in individuals with FLNA-related conditions. Algorithms developed to predict the effect of sequence changes on RNA splicing suggest that this variant may create or strengthen a splice site, but this prediction has not been confirmed by published transcriptional studies.

Literature cited by the submitters: PubMed 16684786; PubMed 20730588; PubMed 26471271.

NM_001110556.2(FLNA):c.1112_1113dup (p.Val372fs)

Gene: FLNA (filamin A; minus strand). Cytogenetic location: Xq28.
Variant type: Duplication.
Coding change: c.1112_1113dup on transcript NM_001110556.2 (MANE Select); coding-DNA positions 1112 to 1113, 2 bases duplicated (AG; older notation c.1112_1113dupAG).
Protein change: p.Val372fs; shifts the reading frame from valine 372.
Molecular consequence: frameshift variant.
Genome position (GRCh38, 1-based): chrX:154,366,423-154,366,424, CT duplicated on the plus strand (AG on the coding strand, the reverse complement: FLNA is on the minus strand); duplicating any 2 consecutive bases within chrX:154,366,423-154,366,425 gives the same sequence; the c. name uses the placement nearest the transcript's 3' end. VCF-style (leftmost placement, unchanged base first): chrX-154366422-C-CCT. GRCh37 (hg19) VCF-style: chrX-153594790-C-CCT.
Other names: c.1112_1113dup, p.Val372fs (NM_001456.4); short protein forms V372fs.
Identifiers: ClinVar variation 1444364 (VCV001444364.6), dbSNP rs2148118072, ClinGen allele CA2573159425.